The following is an entry in ClinVar:

NM_000092.5(COL4A4):c.2219_2220del (p.Pro740fs)

Gene: COL4A4 (collagen type IV alpha 4 chain; minus strand). Cytogenetic location: 2q36.3.
Variant type: Deletion.
Coding change: c.2219_2220del on transcript NM_000092.5 (MANE Select); coding-DNA positions 2219 to 2220, 2 bases deleted (CT; older notation c.2219_2220delCT).
Protein change: p.Pro740fs; shifts the reading frame from proline 740.
Molecular consequence: frameshift variant.
Genome position (GRCh38, 1-based): chr2:227,059,568-227,059,569, AG deleted on the plus strand (CT on the coding strand, the reverse complement: COL4A4 is on the minus strand). VCF-style (leftmost placement, unchanged base first): chr2-227059567-CAG-C. GRCh37 (hg19) VCF-style: chr2-227924283-CAG-C.
Other names: short protein forms P740fs.
Identifiers: ClinVar variation 1070939 (VCV001070939.7), dbSNP rs2150276003, ClinGen allele CA2499215716.

ClinVar aggregate classification (germline): Pathogenic (1 of 4 stars; one submission).

Submission:

Labcorp Genetics (formerly Invitae), Labcorp
Classification: Pathogenic. Last evaluated: 2021-09-30. Review status: criteria provided, single submitter. Criteria: Invitae Variant Classification Sherloc (09022015). Collection method: clinical testing. Allele origin: germline.
Comment: This sequence change creates a premature translational stop signal (p.Pro740Argfs*47) in the COL4A4 gene. It is expected to result in an absent or disrupted protein product. Loss-of-function variants in COL4A4 are known to be pathogenic (PMID: 21196518, 24854265, 25307543). This variant is not present in population databases (ExAC no frequency). For these reasons, this variant has been classified as Pathogenic. ClinVar contains an entry for this variant (Variation ID: 1070939). This variant has not been reported in the literature in individuals affected with COL4A4-related conditions.

Literature cited by the submitters: PubMed 21196518; PubMed 24854265; PubMed 25307543.